The following is an entry in ClinVar:

ClinVar aggregate classification (germline): Uncertain significance (1 of 4 stars; one submission).

Conditions:
Cardiovascular phenotype. Identifiers: MedGen CN230736.

Submission:

Ambry Genetics
Classification: Uncertain significance for Cardiovascular phenotype. Last evaluated: 2025-12-07. Review status: criteria provided, single submitter. Criteria: Ambry Variant Classification Scheme 2023. Collection method: clinical testing. Allele origin: germline.
Comment: The p.M128L variant (also known as c.382A>T), located in coding exon 4 of the CACNB2 gene, results from an A to T substitution at nucleotide position 382. The methionine at codon 128 is replaced by leucine, an amino acid with highly similar properties. This amino acid position is conserved. In addition, this alteration is predicted to be tolerated by in silico analysis. Based on the available evidence, the clinical significance of this variant remains unclear.

NM_201596.3(CACNB2):c.544A>T (p.Met182Leu)

Gene: CACNB2 (calcium voltage-gated channel auxiliary subunit beta 2; plus strand). Cytogenetic location: 10p12.31.
Variant type: single nucleotide variant.
Coding change: c.544A>T on transcript NM_201596.3 (MANE Select); coding-DNA position 544, A replaced by T.
Protein change: p.Met182Leu; replaces methionine 182 with leucine.
Molecular consequence: missense variant.
Genome position (GRCh38, 1-based): chr10:18,500,899, A>T. VCF-style: chr10-18500899-A-T. GRCh37 (hg19) VCF-style: chr10-18789828-A-T.
Other names: c.379A>T, p.Met127Leu (NM_000724.4, NM_001330060.2); c.460A>T, p.Met154Leu (NM_001167945.2, NM_201571.4, NM_201572.4); c.400A>T, p.Met134Leu (NM_001410882.1, NM_201570.3); c.382A>T, p.Met128Leu (NM_201590.3); c.544A>T, p.Met182Leu (NM_201593.3, NM_201597.3); short protein forms M128L, M154L, M127L, M134L, M182L.
Identifiers: ClinVar variation 4613789 (VCV004613789.1).
Genomic context (GRCh38, chr10:18,500,899, plus strand): 5'-CGATTGGTAAAAGAAGGCTGTGAAATCGGATTCATTCCAAGCCCAGTCAAACTAGAAAAC[A>T]TGAGGCTGCAGCATGAACAGAGAGCCAAGCAAGGGAAATTCTACTCCAGGTATGAGACAG-3'
Protein context (NP_963890.2, residues 172-192): FIPSPVKLEN[Met182Leu]RLQHEQRAKQ